The following is an entry in ClinVar:

NM_015107.3(PHF8):c.1349A>G (p.Lys450Arg)

Gene: PHF8 (PHD finger protein 8; minus strand). Cytogenetic location: Xp11.22.
Variant type: single nucleotide variant.
Coding change: c.1349A>G on transcript NM_015107.3 (MANE Select); coding-DNA position 1349, A replaced by G.
Protein change: p.Lys450Arg; replaces lysine 450 with arginine.
Molecular consequence: missense variant. On other transcripts: intron variant (1).
Genome position (GRCh38, 1-based): chrX:53,993,878, T>C on the plus strand (A>G on the coding strand, the complement: PHF8 is on the minus strand). VCF-style: chrX-53993878-T-C. GRCh37 (hg19) VCF-style: chrX-54020311-T-C.
Other names: c.1457A>G, p.Lys486Arg (NM_001184896.1); c.1349A>G, p.Lys450Arg (NM_001184898.2); c.1324-1039A>G (NM_001184897.2); short protein forms K450R, K486R.
Identifiers: ClinVar variation 1030413 (VCV001030413.1), dbSNP rs2065708006, ClinGen allele CA413258372.

ClinVar aggregate classification (germline): Uncertain significance (1 of 4 stars; one submission).

Conditions:
Intellectual developmental disorder, X-linked, syndromic, Siderius type. Also called: Syndromic X-linked intellectual disability Siderius type. Identifiers: Orphanet 85287, MedGen C1846055, MONDO:0010286, OMIM 300263.

Submission:

Baylor Genetics
Classification: Uncertain significance for Intellectual developmental disorder, X-linked, syndromic, Siderius type. Last evaluated: 2020-01-17. Review status: criteria provided, single submitter. Criteria: ACMG Guidelines, 2015. Collection method: clinical testing. Allele origin: unknown. Affected: yes.
Comment: This variant was determined to be of uncertain significance according to ACMG Guidelines, 2015 [PMID:25741868].